The following is an entry in ClinVar:

NM_000090.4(COL3A1):c.4125C>A (p.Ser1375Arg)

Gene: COL3A1 (collagen type III alpha 1 chain; plus strand). Cytogenetic location: 2q32.2.
Variant type: single nucleotide variant.
Coding change: c.4125C>A on transcript NM_000090.4 (MANE Select); coding-DNA position 4125, C replaced by A.
Protein change: p.Ser1375Arg; replaces serine 1375 with arginine.
Molecular consequence: missense variant.
Genome position (GRCh38, 1-based): chr2:189,010,761, C>A. VCF-style: chr2-189010761-C-A. GRCh37 (hg19) VCF-style: chr2-189875487-C-A.
Other names: short protein forms S1375R.
Identifiers: ClinVar variation 4055880 (VCV004055880.1).
Genomic context (GRCh38, chr2:189,010,761, plus strand): 5'-ATTCCTTCGACTTCTCTCCAGCCGAGCTTCCCAGAACATCACATATCACTGCAAAAATAG[C>A]ATTGCATACATGGATCAGGCCAGTGGAAATGTAAAGAAGGCCCTGAAGCTGATGGGGTCA-3'
Protein context (NP_000081.2, residues 1365-1385): SQNITYHCKN[Ser1375Arg]IAYMDQASGN

ClinVar aggregate classification (germline): Uncertain significance (1 of 4 stars; one submission).

Submission:

GeneDx
Classification: Uncertain significance. Last evaluated: 2024-12-27. Review status: criteria provided, single submitter. Criteria: GeneDx Variant Classification Process June 2021. Collection method: clinical testing. Allele origin: germline. Affected: yes.
Comment: Not observed at significant frequency in large population cohorts (gnomAD); In silico analysis supports that this missense variant has a deleterious effect on protein structure/function; Has not been previously published as pathogenic or benign to our knowledge; Not located in the triple helical region, where the majority of pathogenic missense variants occur (HGMD)